The following is an entry in ClinVar:

ClinVar aggregate classification (germline): Uncertain significance (1 of 4 stars; one submission).

Conditions:
Spastic paraplegia. Identifiers: MedGen C0037772, HP:0001258.

Submission:

Labcorp Genetics (formerly Invitae), Labcorp
Classification: Uncertain significance for Spastic paraplegia. Last evaluated: 2022-08-10. Review status: criteria provided, single submitter. Criteria: Invitae Variant Classification Sherloc (09022015). Collection method: clinical testing. Allele origin: germline.
Comment: In summary, the available evidence is currently insufficient to determine the role of this variant in disease. Therefore, it has been classified as a Variant of Uncertain Significance. Variants that disrupt the consensus splice site are a relatively common cause of aberrant splicing (PMID: 17576681, 9536098). Algorithms developed to predict the effect of sequence changes on RNA splicing suggest that this variant may disrupt the consensus splice site. Algorithms developed to predict the effect of missense changes on protein structure and function (SIFT, PolyPhen-2, Align-GVGD) all suggest that this variant is likely to be tolerated. This variant has not been reported in the literature in individuals affected with VAMP1-related conditions. This variant is not present in population databases (gnomAD no frequency). This sequence change replaces glutamic acid, which is acidic and polar, with aspartic acid, which is acidic and polar, at codon 43 of the VAMP1 protein (p.Glu43Asp). This variant also falls at the last nucleotide of exon 2, which is part of the consensus splice site for this exon.

Literature cited by the submitters: PubMed 17576681; PubMed 9536098.

NM_014231.5(VAMP1):c.129G>C (p.Glu43Asp)

Genes: TAPBPL (TAP binding protein like; plus strand), VAMP1 (vesicle associated membrane protein 1; minus strand). Cytogenetic location: 12p13.31.
Variant type: single nucleotide variant.
Coding change: c.129G>C on transcript NM_014231.5 (MANE Select); coding-DNA position 129, G replaced by C.
Protein change: p.Glu43Asp; replaces glutamic acid 43 with aspartic acid.
Molecular consequence: missense variant.
Genome position (GRCh38, 1-based): chr12:6,466,225, C>G on the plus strand (G>C on the coding strand, the complement: VAMP1 is on the minus strand). VCF-style: chr12-6466225-C-G. GRCh37 (hg19) VCF-style: chr12-6575391-C-G.
Other names: c.129G>C, p.Glu43Asp (NM_001297438.2, NM_016830.4, NM_199245.3); short protein forms E43D.
Identifiers: ClinVar variation 2022791 (VCV002022791.4), dbSNP rs2540074272, ClinGen allele CA383559319.